The following is an entry in ClinVar:

NM_018979.4(WNK1):c.4456G>A (p.Gly1486Arg)

Gene: WNK1 (WNK lysine deficient protein kinase 1; plus strand). Cytogenetic location: 12p13.33.
Variant type: single nucleotide variant.
Coding change: c.4456G>A on transcript NM_018979.4 (MANE Select); coding-DNA position 4456, G replaced by A.
Protein change: p.Gly1486Arg; replaces glycine 1486 with arginine.
Molecular consequence: missense variant.
Genome position (GRCh38, 1-based): chr12:885,260, G>A. VCF-style: chr12-885260-G-A. GRCh37 (hg19) VCF-style: chr12-994426-G-A.
Other names: c.5236G>A, p.Gly1746Arg (NM_001184985.2); c.3715G>A, p.Gly1239Arg (NM_014823.3); c.5212G>A, p.Gly1738Arg (NM_213655.5); short protein forms G1746R, G1738R, G1239R, G1486R.
Identifiers: ClinVar variation 4791730 (VCV004791730.1).

ClinVar aggregate classification (germline): Uncertain significance (1 of 4 stars; one submission).

Conditions:
Neuropathy, hereditary sensory and autonomic, type 2A (HSAN2A). Also called: ACROOSTEOLYSIS, GIACCAI TYPE; ACROOSTEOLYSIS, NEUROGENIC; MORVAN DISEASE; NEUROPATHY, CONGENITAL SENSORY; NEUROPATHY, HEREDITARY SENSORY RADICULAR, AUTOSOMAL RECESSIVE; NEUROPATHY, HEREDITARY SENSORY, TYPE IIA. Identifiers: Orphanet 970, MedGen C2752089, MONDO:0024309, OMIM 201300.
Pseudohypoaldosteronism type 2C (PHA2C). Also called: Pseudohypoaldosteronism Type IIC. Identifiers: Orphanet 757, Orphanet 88940, MedGen C1840391, MONDO:0013778, OMIM 614492.

gnomAD v4.1: 1 of 1,614,156 alleles (0.000062%); highest among the groups gnomAD compares: South Asian, 0.0011%; no homozygotes.

Submission:

Labcorp Genetics (formerly Invitae), Labcorp
Classification: Uncertain significance for Neuropathy, hereditary sensory and autonomic, type 2A; Pseudohypoaldosteronism type 2C. Last evaluated: 2025-05-25. Review status: criteria provided, single submitter. Criteria: Invitae Variant Classification Sherloc (09022015). Collection method: clinical testing. Allele origin: germline.
Comment: This sequence change replaces glycine, which is neutral and non-polar, with arginine, which is basic and polar, at codon 1738 of the WNK1 protein (p.Gly1738Arg). This variant is not present in population databases (gnomAD no frequency). This variant has not been reported in the literature in individuals affected with WNK1-related conditions. Invitae Evidence Modeling of protein sequence and biophysical properties (such as structural, functional, and spatial information, amino acid conservation, physicochemical variation, residue mobility, and thermodynamic stability) indicates that this missense variant is not expected to disrupt WNK1 protein function with a negative predictive value of 95%. In summary, the available evidence is currently insufficient to determine the role of this variant in disease. Therefore, it has been classified as a Variant of Uncertain Significance.